The following is an entry in ClinVar:

ClinVar aggregate classification (germline): Uncertain significance (1 of 4 stars; one submission).

Conditions:
Gorlin syndrome. Also called: Nevoid Basal Cell Carcinoma Syndrome; Basal cell nevus syndrome. Identifiers: Orphanet 377, MedGen C0004779, MONDO:0007187.

Submission:

Labcorp Genetics (formerly Invitae), Labcorp
Classification: Uncertain significance for Gorlin syndrome. Last evaluated: 2023-10-11. Review status: criteria provided, single submitter. Criteria: Invitae Variant Classification Sherloc (09022015). Collection method: clinical testing. Allele origin: germline.
Comment: This sequence change replaces glycine, which is neutral and non-polar, with arginine, which is basic and polar, at codon 538 of the PTCH1 protein (p.Gly538Arg). This variant is not present in population databases (gnomAD no frequency). This missense change has been observed in individual(s) with PTCH1-related conditions (PMID: 28596197). Advanced modeling of protein sequence and biophysical properties (such as structural, functional, and spatial information, amino acid conservation, physicochemical variation, residue mobility, and thermodynamic stability) has been performed at Invitae for this missense variant, however the output from this modeling did not meet the statistical confidence thresholds required to predict the impact of this variant on PTCH1 protein function. In summary, the available evidence is currently insufficient to determine the role of this variant in disease. Therefore, it has been classified as a Variant of Uncertain Significance.

Literature cited by the submitters: PubMed 28596197.

NM_000264.5(PTCH1):c.1612G>C (p.Gly538Arg)

Gene: PTCH1 (patched 1; minus strand). Cytogenetic location: 9q22.32.
Variant type: single nucleotide variant.
Coding change: c.1612G>C on transcript NM_000264.5 (MANE Select); coding-DNA position 1612, G replaced by C.
Protein change: p.Gly538Arg; replaces glycine 538 with arginine.
Molecular consequence: missense variant. On other transcripts: non-coding transcript variant (1).
Genome position (GRCh38, 1-based): chr9:95,476,150, C>G on the plus strand (G>C on the coding strand, the complement: PTCH1 is on the minus strand). VCF-style: chr9-95476150-C-G. GRCh37 (hg19) VCF-style: chr9-98238432-C-G.
Other names: c.1414G>C, p.Gly472Arg (NM_001083602.3); c.1609G>C, p.Gly537Arg (NM_001083603.3); c.1159G>C, p.Gly387Arg (NM_001083604.3, NM_001083605.3, NM_001083606.3 and 1 more transcripts); c.1456G>C, p.Gly486Arg (NM_001354918.2); short protein forms G472R, G486R, G537R, G387R, G538R.
Identifiers: ClinVar variation 2767554 (VCV002767554.3), dbSNP rs1347882326, ClinGen allele CA374118108.